The following is an entry in ClinVar:

NM_001172303.3(MASTL):c.2217A>G (p.Leu739=)

Gene: MASTL (microtubule associated serine/threonine kinase like; plus strand). Cytogenetic location: 10p12.1.
Variant type: single nucleotide variant.
Coding change: c.2217A>G on transcript NM_001172303.3 (MANE Select); coding-DNA position 2217, A replaced by G.
Protein change: p.Leu739=; no amino-acid change (leucine 739 retained).
Molecular consequence: synonymous variant.
Genome position (GRCh38, 1-based): chr10:27,173,210, A>G. VCF-style: chr10-27173210-A-G. GRCh37 (hg19) VCF-style: chr10-27462139-A-G.
Other names: c.2214A>G, p.Leu738= (NM_001172304.3, NM_001320756.2, NM_032844.5); c.2217A>G, p.Leu739= (NM_001320757.2); c.1734A>G, p.Leu578= (NM_001372029.1, NM_001372030.1).
Identifiers: ClinVar variation 3036305 (VCV003036305.2), dbSNP rs144174245, ClinGen allele CA5450382.

ClinVar aggregate classification (germline): Likely benign (0 of 4 stars; one submission).

Conditions:
MASTL-related disorder. Also called: MASTL-related condition.

Allele frequency attached by ClinVar (database versions not stated): gnomAD exomes 0.00004; ExAC 0.00007; ESP Exome Variant Server 0.00015; gnomAD 0.00015; TOPMed 0.00017.
gnomAD v4.1: 83 of 1,614,196 alleles (0.0051%); highest among the groups gnomAD compares: African/African-American, 0.059%; no homozygotes.

Submission:

PreventionGenetics, part of Exact Sciences
Classification: Likely benign for MASTL-related condition. Last evaluated: 2022-02-28. Review status: no assertion criteria provided. Collection method: clinical testing. Allele origin: germline.
Comment: This variant is classified as likely benign based on ACMG/AMP sequence variant interpretation guidelines (Richards et al. 2015 PMID: 25741868, with internal and published modifications).